The following is an entry in ClinVar:

ClinVar aggregate classification (germline): Uncertain significance (1 of 4 stars; one submission).

Submission:

Labcorp Genetics (formerly Invitae), Labcorp
Classification: Uncertain significance. Last evaluated: 2024-04-08. Review status: criteria provided, single submitter. Criteria: Invitae Variant Classification Sherloc (09022015). Collection method: clinical testing. Allele origin: germline.
Comment: This sequence change replaces leucine, which is neutral and non-polar, with arginine, which is basic and polar, at codon 185 of the KAT6A protein (p.Leu185Arg). This variant is not present in population databases (gnomAD no frequency). This variant has not been reported in the literature in individuals affected with KAT6A-related conditions. Advanced modeling of protein sequence and biophysical properties (such as structural, functional, and spatial information, amino acid conservation, physicochemical variation, residue mobility, and thermodynamic stability) performed at Invitae indicates that this missense variant is not expected to disrupt KAT6A protein function with a negative predictive value of 80%. In summary, the available evidence is currently insufficient to determine the role of this variant in disease. Therefore, it has been classified as a Variant of Uncertain Significance.

NM_006766.5(KAT6A):c.554T>G (p.Leu185Arg)

Gene: KAT6A (lysine acetyltransferase 6A; minus strand). Cytogenetic location: 8p11.21.
Variant type: single nucleotide variant.
Coding change: c.554T>G on transcript NM_006766.5 (MANE Select); coding-DNA position 554, T replaced by G.
Protein change: p.Leu185Arg; replaces leucine 185 with arginine.
Molecular consequence: missense variant.
Genome position (GRCh38, 1-based): chr8:42,048,424, A>C on the plus strand (T>G on the coding strand, the complement: KAT6A is on the minus strand). VCF-style: chr8-42048424-A-C. GRCh37 (hg19) VCF-style: chr8-41905942-A-C.
Other names: c.554T>G, p.Leu185Arg (NM_001305878.2); short protein forms L185R.
Identifiers: ClinVar variation 3649190 (VCV003649190.2).